The following is an entry in ClinVar:

NM_199242.3(UNC13D):c.577G>A (p.Glu193Lys)

Gene: UNC13D (unc-13 homolog D; minus strand). Cytogenetic location: 17q25.1.
Variant type: single nucleotide variant.
Coding change: c.577G>A on transcript NM_199242.3 (MANE Select); coding-DNA position 577, G replaced by A.
Protein change: p.Glu193Lys; replaces glutamic acid 193 with lysine.
Molecular consequence: missense variant.
Genome position (GRCh38, 1-based): chr17:75,840,994, C>T on the plus strand (G>A on the coding strand, the complement: UNC13D is on the minus strand). VCF-style: chr17-75840994-C-T. GRCh37 (hg19) VCF-style: chr17-73837075-C-T.
Other names: short protein forms E193K.
Identifiers: ClinVar variation 2122856 (VCV002122856.4), dbSNP rs2545986056, ClinGen allele CA401111856.

ClinVar aggregate classification (germline): Uncertain significance (1 of 4 stars; one submission).

Conditions:
Familial hemophagocytic lymphohistiocytosis 3 (FHL3). Also called: UNC13D-Related Familial Hemophagocytic Lymphohistiocytosis (UNC13D-fHLH). Identifiers: Orphanet 540, MedGen C1837174, MONDO:0012146, OMIM 608898.

Submission:

Labcorp Genetics (formerly Invitae), Labcorp
Classification: Uncertain significance for Familial hemophagocytic lymphohistiocytosis 3. Last evaluated: 2025-01-13. Review status: criteria provided, single submitter. Criteria: Invitae Variant Classification Sherloc (09022015). Collection method: clinical testing. Allele origin: germline.
Comment: This sequence change replaces glutamic acid, which is acidic and polar, with lysine, which is basic and polar, at codon 193 of the UNC13D protein (p.Glu193Lys). This variant is not present in population databases (gnomAD no frequency). This variant has not been reported in the literature in individuals affected with UNC13D-related conditions. ClinVar contains an entry for this variant (Variation ID: 2122856). Invitae Evidence Modeling of protein sequence and biophysical properties (such as structural, functional, and spatial information, amino acid conservation, physicochemical variation, residue mobility, and thermodynamic stability) indicates that this missense variant is not expected to disrupt UNC13D protein function with a negative predictive value of 80%. In summary, the available evidence is currently insufficient to determine the role of this variant in disease. Therefore, it has been classified as a Variant of Uncertain Significance.